The following is an entry in ClinVar:

ClinVar aggregate classification (germline): Pathogenic. Review status: criteria provided, multiple submitters, no conflicts (2 of 4 stars). 4 submissions from 4 submitters: Pathogenic (3). 1 of the submissions does not count toward it. Last evaluated 2025-10-03.

Conditions:
Adenine phosphoribosyltransferase deficiency (APRTD). Also called: APRT DEFICIENCY; NEPHROLITHIASIS, DHA; Urolithiasis, dha; 2,8-dihydroxyadenine urolithiasis. Identifiers: Orphanet 976, MedGen C0268120, MONDO:0013869, OMIM 614723.

Submissions (4):

Rare Kidney Stone Consortium and the Mayo Clinic Hyperoxaluria Center, Mayo Clinic
Classification: Pathogenic for Adenine phosphoribosyltransferase deficiency. Last evaluated: 2025-10-03. Review status: criteria provided, single submitter. Criteria: ACMG Guidelines, 2015. Collection method: research. Allele origin: germline. Affected: yes. Observed: 1 variant allele.
Comment: ACMG:PVS1, PM2, PP5

Genomic Medicine Center of Excellence, King Faisal Specialist Hospital and Research Centre
Classification: Pathogenic for Adenine phosphoribosyltransferase deficiency. Last evaluated: 2024-03-29. Review status: criteria provided, single submitter. Criteria: ACMG Guidelines, 2015. Collection method: clinical testing. Allele origin: germline.

Fulgent Genetics
Classification: Pathogenic for Adenine phosphoribosyltransferase deficiency. Last evaluated: 2024-02-13. Review status: criteria provided, single submitter. Criteria: ACMG Guidelines, 2015. Collection method: clinical testing. Allele origin: germline.

APRT Deficiency Research Program of the Rare Kidney Stone Consortium, Landspitali, National University Hospital of Iceland
Classification: Pathogenic for Adenine phosphoribosyltransferase deficiency. Last evaluated: 2020-09-01. Review status: no assertion criteria provided. Collection method: literature only. Allele origin: germline. Affected: yes. Not counted in ClinVar's aggregate classification.

Literature cited by the submitters: PubMed 20150536 (cited by Rare Kidney Stone Consortium and the Mayo Clinic Hyperoxaluria Center, Mayo Clinic); PubMed 33707627 (cited by Rare Kidney Stone Consortium and the Mayo Clinic Hyperoxaluria Center, Mayo Clinic); PubMed 40794449 (cited by Rare Kidney Stone Consortium and the Mayo Clinic Hyperoxaluria Center, Mayo Clinic).

NM_000485.3(APRT):c.289_290del (p.Leu97fs)

Gene: APRT (adenine phosphoribosyltransferase; minus strand). Cytogenetic location: 16q24.3.
Variant type: Microsatellite.
Coding change: c.289_290del on transcript NM_000485.3 (MANE Select); coding-DNA positions 289 to 290, 2 bases deleted (CT; older notation c.289_290delCT).
Protein change: p.Leu97fs; shifts the reading frame from leucine 97.
Molecular consequence: frameshift variant.
Genome position (GRCh38, 1-based): chr16:88,810,454-88,810,455, AG deleted on the plus strand (CT on the coding strand, the reverse complement: APRT is on the minus strand); deleting any 2 consecutive bases within chr16:88,810,454-88,810,457 gives the same sequence; the c. name uses the placement nearest the transcript's 3' end. VCF-style (leftmost placement, unchanged base first): chr16-88810453-CAG-C. GRCh37 (hg19) VCF-style: chr16-88876861-CAG-C.
Other names: c.289_290delCT (NM_000485.3); c.289_290del, p.Leu97fs (NM_001030018.2); short protein forms L97fs.
Identifiers: ClinVar variation 988053 (VCV000988053.6), dbSNP rs1437920638, ClinGen allele CA624209314.
Genomic context (GRCh38, chr16:88,810,453, plus strand): 5'-CCCTTCCTCTGGCCACCCCAGCCCTCTTACCTTCCCGTACTCCAGGGAATAGGAGGCCCA[CAG>C]AGTGGGGCCTGGCAGCTTCCCCCGCTTTCGGATGAGCACGCAGCCCAGTCCAAGCTCCTG-3'